The following is an entry in ClinVar:

ClinVar aggregate classification (germline): Uncertain significance (1 of 4 stars; one submission).

Conditions:
Dilated cardiomyopathy 1G (CMD1G). Identifiers: Orphanet 154, MedGen C1858763, MONDO:0011400, OMIM 604145.
Autosomal recessive limb-girdle muscular dystrophy type 2J (LGMDR10). Also called: Limb-girdle muscular dystrophy, type 2J; MUSCULAR DYSTROPHY, LIMB-GIRDLE, AUTOSOMAL RECESSIVE 10. Identifiers: Orphanet 140922, MedGen C1837342, MONDO:0012127, OMIM 608807.

Submission:

Labcorp Genetics (formerly Invitae), Labcorp
Classification: Uncertain significance for Dilated cardiomyopathy 1G; Autosomal recessive limb-girdle muscular dystrophy type 2J. Last evaluated: 2024-12-27. Review status: criteria provided, single submitter. Criteria: Invitae Variant Classification Sherloc (09022015). Collection method: clinical testing. Allele origin: germline.
Comment: This sequence change replaces glutamic acid, which is acidic and polar, with glutamine, which is neutral and polar, at codon 33801 of the TTN protein (p.Glu33801Gln). This variant is not present in population databases (gnomAD no frequency). This missense change has been observed in individual(s) with TTN-related conditions (internal data). Experimental studies and prediction algorithms are not available or were not evaluated, and the functional significance of this variant is currently unknown. This variant is located in the M band of TTN (PMID: 25589632). Non-truncating variants in this region may be relevant for neuromuscular disorders, but have not been definitively shown to cause cardiomyopathy (PMID: 23975875). In summary, the available evidence is currently insufficient to determine the role of this variant in disease. Therefore, it has been classified as a Variant of Uncertain Significance.

Literature cited by the submitters: PubMed 25589632; PubMed 23975875.

NM_001267550.2(TTN):c.101401G>C (p.Glu33801Gln)

Genes: TTN (titin; minus strand), TTN-AS1 (TTN antisense RNA 1; plus strand). Cytogenetic location: 2q31.2.
Variant type: single nucleotide variant.
Coding change: c.101401G>C on transcript NM_001267550.2 (MANE Select); coding-DNA position 101401, G replaced by C.
Protein change: p.Glu33801Gln; replaces glutamic acid 33801 with glutamine.
Molecular consequence: missense variant.
Genome position (GRCh38, 1-based): chr2:178,535,214, C>G on the plus strand (G>C on the coding strand, the complement: TTN is on the minus strand). VCF-style: chr2-178535214-C-G. GRCh37 (hg19) VCF-style: chr2-179399941-C-G.
Other names: c.96478G>C, p.Glu32160Gln (NM_001256850.1); c.74206G>C, p.Glu24736Gln (NM_003319.4); c.93697G>C, p.Glu31233Gln (NM_133378.4); c.74581G>C, p.Glu24861Gln (NM_133432.3); c.74782G>C, p.Glu24928Gln (NM_133437.4); short protein forms E24736Q, E24861Q, E24928Q, E31233Q, E32160Q, E33801Q.
Identifiers: ClinVar variation 3760188 (VCV003760188.2).